The following is an entry in ClinVar:

NM_182943.3(PLOD2):c.1451G>A (p.Arg484His)

Gene: PLOD2 (procollagen-lysine,2-oxoglutarate 5-dioxygenase 2; minus strand). Cytogenetic location: 3q24.
Variant type: single nucleotide variant.
Coding change: c.1451G>A on transcript NM_182943.3 (MANE Select); coding-DNA position 1451, G replaced by A.
Protein change: p.Arg484His; replaces arginine 484 with histidine.
Molecular consequence: missense variant.
Genome position (GRCh38, 1-based): chr3:146,079,165, C>T on the plus strand (G>A on the coding strand, the complement: PLOD2 is on the minus strand). VCF-style: chr3-146079165-C-T. GRCh37 (hg19) VCF-style: chr3-145796952-C-T.
Other names: c.1451G>A, p.Arg484His (NM_000935.3); short protein forms R484H.
Identifiers: ClinVar variation 753441 (VCV000753441.19), dbSNP rs142909885, ClinGen allele CA2654892.
Genomic context (GRCh38, chr3:146,079,165, plus strand): 5'-GCATATCTTACCATTTCTCTAGCATTTCGGCAAAGAGCCATATCAGGATCCAGTTTATCA[C>T]GAACAAAATAGTTCCTTTCATTCATCTCTGATCGGAGTGTCTTTCCTTTAATTAAGTACA-3'
Protein context (NP_891988.1, residues 474-494): SEMNERNYFV[Arg484His]DKLDPDMALC

ClinVar aggregate classification (germline): Conflicting classifications of pathogenicity. Review status: criteria provided, conflicting classifications (1 of 4 stars). 4 submissions from 4 submitters: Uncertain significance (3); Likely benign (1). Last evaluated 2026-01-09.

Conditions:
Bruck syndrome 2 (BRKS2). Also called: OSTEOGENESIS IMPERFECTA WITH CONGENITAL JOINT CONTRACTURES. Identifiers: Orphanet 2771, MedGen C1836602, MONDO:0012217, OMIM 609220.

Allele frequency attached by ClinVar (database versions not stated): ExAC 0.00026; TOPMed 0.00026; gnomAD 0.00028 and 0.00029; ESP Exome Variant Server 0.00031; 1000 Genomes Project 0.00040; 1000 Genomes Project 30x 0.00062.
gnomAD v4.1: 429 of 1,612,576 alleles (0.027%); highest among the groups gnomAD compares: Non-Finnish European, 0.025%; no homozygotes.

Submissions (4):

Labcorp Genetics (formerly Invitae), Labcorp
Classification: Likely benign. Last evaluated: 2026-01-09. Review status: criteria provided, single submitter. Criteria: Invitae Variant Classification Sherloc (09022015). Collection method: clinical testing. Allele origin: germline.

GeneDx
Classification: Uncertain significance. Last evaluated: 2024-05-06. Review status: criteria provided, single submitter. Criteria: GeneDx Variant Classification Process June 2021. Collection method: clinical testing. Allele origin: germline. Affected: yes.
Comment: In silico analysis indicates that this missense variant does not alter protein structure/function; Reported as de novo in a patient with neurodevelopmental disorder/autism in the literature (PMID: 31785789); This variant is associated with the following publications: (PMID: 33057194, 35982159, 31785789)

Women's Health and Genetics/Laboratory Corporation of America, LabCorp
Classification: Uncertain significance. Last evaluated: 2023-06-05. Review status: criteria provided, single submitter. Criteria: LabCorp Variant Classification Summary - May 2015. Collection method: clinical testing. Allele origin: germline.
Comment: Variant summary: PLOD2 c.1451G>A (p.Arg484His) results in a non-conservative amino acid change in the encoded protein sequence. Three of five in-silico tools predict a damaging effect of the variant on protein function. The variant allele was found at a frequency of 0.0003 in 251088 control chromosomes (gnomAD). This frequency is not significantly higher than estimated for a pathogenic variant in PLOD2 causing Osteogenesis Imperfecta (0.0003 vs 0.0011), allowing no conclusion about variant significance. c.1451G>A has been reported in the literature in an individual affected with developmental disorders (Turner_2019). This report does not provide unequivocal conclusions about association of the variant with Osteogenesis Imperfecta. To our knowledge, no experimental evidence demonstrating an impact on protein function has been reported. Three ClinVar submitters have assessed the variant since 2014: two classified the the variant as uncertain significance and one as likely benign. Based on the evidence outlined above, the variant was classified as uncertain significance.

Illumina Laboratory Services, Illumina
Classification: Uncertain significance for Bruck syndrome 2. Last evaluated: 2017-04-27. Review status: criteria provided, single submitter. Criteria: ICSL Variant Classification Criteria 13 December 2019. Collection method: clinical testing. Allele origin: germline.

Literature cited by the submitters: PubMed 31785789 (cited by Women's Health and Genetics/Laboratory Corporation of America, LabCorp).